The following is an entry in ClinVar:

NM_006922.4(SCN3A):c.4098C>A (p.Asn1366Lys)

Gene: SCN3A (sodium voltage-gated channel alpha subunit 3; minus strand). Cytogenetic location: 2q24.3.
Variant type: single nucleotide variant.
Coding change: c.4098C>A on transcript NM_006922.4 (MANE Select); coding-DNA position 4098, C replaced by A.
Protein change: p.Asn1366Lys; replaces asparagine 1366 with lysine.
Molecular consequence: missense variant.
Genome position (GRCh38, 1-based): chr2:165,097,393, G>T on the plus strand (C>A on the coding strand, the complement: SCN3A is on the minus strand). VCF-style: chr2-165097393-G-T. GRCh37 (hg19) VCF-style: chr2-165953903-G-T.
Other names: c.3951C>A, p.Asn1317Lys (NM_001081676.2, NM_001081677.2); short protein forms N1317K, N1366K.
Identifiers: ClinVar variation 3364888 (VCV003364888.1).

ClinVar aggregate classification (germline): Uncertain significance (1 of 4 stars; one submission).

Submission:

GeneDx
Classification: Uncertain significance. Last evaluated: 2023-11-25. Review status: criteria provided, single submitter. Criteria: GeneDx Variant Classification Process June 2021. Collection method: clinical testing. Allele origin: germline. Affected: yes.
Comment: Not observed at significant frequency in large population cohorts (gnomAD); In silico analysis supports that this missense variant has a deleterious effect on protein structure/function; Has not been previously published as pathogenic or benign to our knowledge